The following is an entry in ClinVar:

ClinVar aggregate classification (germline): no classifications from unflagged records (0 of 4 stars; one submission).

Conditions:
Familial hypertryptophanemia. Identifiers: Orphanet 2224, MedGen C2931837, MONDO:0010907, OMIM 600627.

Submission:

OMIM
Classification: Pathogenic for HYPERTRYPTOPHANEMIA (1 patient). Last evaluated: 2017-10-04. Review status: flagged submission. Collection method: literature only. Allele origin: germline.
ClinVar note: Notes: Flagging candidate with reason of insufficient supporting evidence. This gene has been classified as having a limited gene-disease relationship by a ClinGen Expert Panel.
ClinVar note: Reason: P/LP classification for a variant in a gene with insufficient evidence for a gene-disease relationship

Literature cited by the submitters: PubMed 28285122.

NM_005651.4(TDO2):c.324G>C (p.Met108Ile)

Gene: TDO2 (tryptophan 2,3-dioxygenase; plus strand). Cytogenetic location: 4q32.1.
Variant type: single nucleotide variant.
Coding change: c.324G>C on transcript NM_005651.4 (MANE Select); coding-DNA position 324, G replaced by C.
Protein change: p.Met108Ile; replaces methionine 108 with isoleucine.
Molecular consequence: missense variant.
Genome position (GRCh38, 1-based): chr4:155,908,907, G>C. VCF-style: chr4-155908907-G-C. GRCh37 (hg19) VCF-style: chr4-156830059-G-C.
Other names: short protein forms M108I.
Identifiers: ClinVar variation 440855 (VCV000440855.1), dbSNP rs1553957997, ClinGen allele CA358550694.